The following is an entry in ClinVar:

NM_001009944.3(PKD1):c.9994G>T (p.Val3332Phe)

Gene: PKD1 (polycystin 1, transient receptor potential channel interacting; minus strand). Cytogenetic location: 16p13.3.
Variant type: single nucleotide variant.
Coding change: c.9994G>T on transcript NM_001009944.3 (MANE Select); coding-DNA position 9994, G replaced by T.
Protein change: p.Val3332Phe; replaces valine 3332 with phenylalanine.
Molecular consequence: missense variant.
Genome position (GRCh38, 1-based): chr16:2,099,700, C>A on the plus strand (G>T on the coding strand, the complement: PKD1 is on the minus strand). VCF-style: chr16-2099700-C-A. GRCh37 (hg19) VCF-style: chr16-2149701-C-A.
Other names: c.9994G>T, p.Val3332Phe (NM_000296.4); short protein forms V3332F.
Identifiers: ClinVar variation 2273158 (VCV002273158.4), dbSNP rs1272713748, ClinGen allele CA394352147.
Genomic context (GRCh38, chr16:2,099,700, plus strand): 5'-CCACCTTGCTCCGGGACATCCGGAAGAGAAAAAGGATGGCCAGGTAGACGGGATAGACAA[C>A]CACGCTGGACACCAGGCCAACAGCGACTGTGTCGACGCTCAGCGGGCTCAGCCTGGACAC-3'
Protein context (NP_001009944.3, residues 3322-3342): TVAVGLVSSV[Val3332Phe]VYPVYLAILF

ClinVar aggregate classification (germline): Uncertain significance. Review status: criteria provided, multiple submitters, no conflicts (2 of 4 stars). 3 submissions from 3 submitters: Uncertain significance (3). Last evaluated 2026-07-20.

Conditions:
PKD1-related disorder. Also called: PKD1-related condition.
Polycystic kidney disease, adult type (PKD1). Also called: Polycystic Kidney Disease 1, Autosomal Dominant; Polycystic kidney disease 1; Polycystic kidney disease 1, severe; Polycystic Kidney, Autosomal Dominant; POLYCYSTIC KIDNEY DISEASE, ADULT, TYPE I; POLYCYSTIC KIDNEY DISEASE 1 WITH OR WITHOUT POLYCYSTIC LIVER DISEASE. Identifiers: MedGen C3149841, MONDO:0008263, OMIM 173900.
Inborn genetic diseases. Identifiers: MedGen C0950123, MeSH D030342.

Allele frequency attached by ClinVar (database versions not stated): gnomAD 0.00001; gnomAD exomes 0.00001; TOPMed 0.00001.
gnomAD v4.1: 24 of 1,590,892 alleles (0.0015%); highest among the groups gnomAD compares: Non-Finnish European, 0.0018%; no homozygotes.

Submissions (3):

PreventionGenetics, part of Exact Sciences
Classification: Uncertain significance for PKD1-related condition. Last evaluated: 2026-07-20. Review status: criteria provided, single submitter. Criteria: ACMG Guidelines, 2015. Collection method: clinical testing. Allele origin: germline.
Comment: The PKD1 c.9994G>T variant is predicted to result in the amino acid substitution p.Val3332Phe. To our knowledge, this variant has not been reported in the literature. This variant is reported in 0.0065% of alleles in individuals of European (Non-Finnish) descent in gnomAD. At this time, the clinical significance of this variant is uncertain due to the absence of conclusive functional and genetic evidence.

Fulgent Genetics
Classification: Uncertain significance for Polycystic kidney disease, adult type. Last evaluated: 2024-04-09. Review status: criteria provided, single submitter. Criteria: ACMG Guidelines, 2015. Collection method: clinical testing. Allele origin: germline.

Ambry Genetics
Classification: Uncertain significance for Inborn genetic diseases. Last evaluated: 2022-01-26. Review status: criteria provided, single submitter. Criteria: Ambry Variant Classification Scheme 2023. Collection method: clinical testing. Allele origin: germline.